The following is an entry in ClinVar:

NM_000260.4(MYO7A):c.194_217del (p.His65_Arg72del)

Gene: MYO7A (myosin VIIA; plus strand). Cytogenetic location: 11q13.5.
Variant type: Deletion.
Coding change: c.194_217del on transcript NM_000260.4 (MANE Select); coding-DNA positions 194 to 217, 24 bases deleted (ACGGCGTGGAGGACATGATCCGCC).
Protein change: p.His65_Arg72del.
Molecular consequence: inframe deletion.
Genome position (GRCh38, 1-based): chr11:77,147,859-77,147,882, ACGGCGTGGAGGACATGATCCGCC deleted; deleting any 24 consecutive bases within chr11:77,147,857-77,147,882 gives the same sequence; the c. name uses the placement nearest the transcript's 3' end. VCF-style (leftmost placement, unchanged base first): chr11-77147856-TCCACGGCGTGGAGGACATGATCCG-T. GRCh37 (hg19) VCF-style: chr11-76858902-TCCACGGCGTGGAGGACATGATCCG-T.
Other names: c.194_217del, p.His65_Arg72del (NM_001127180.2); c.161_184del, p.His54_Arg61del (NM_001369365.1).
Identifiers: ClinVar variation 998454 (VCV000998454.8), dbSNP rs1951688289, ClinGen allele CA1984103858.

ClinVar aggregate classification (germline): Uncertain significance (1 of 4 stars; one submission).

Submission:

Labcorp Genetics (formerly Invitae), Labcorp
Classification: Uncertain significance. Last evaluated: 2022-10-13. Review status: criteria provided, single submitter. Criteria: Invitae Variant Classification Sherloc (09022015). Collection method: clinical testing. Allele origin: germline.
Comment: In summary, the available evidence is currently insufficient to determine the role of this variant in disease. Therefore, it has been classified as a Variant of Uncertain Significance. Experimental studies and prediction algorithms are not available or were not evaluated, and the functional significance of this variant is currently unknown. ClinVar contains an entry for this variant (Variation ID: 998454). This variant has not been reported in the literature in individuals affected with MYO7A-related conditions. This variant is not present in population databases (gnomAD no frequency). This variant, c.194_217del, results in the deletion of 8 amino acid(s) of the MYO7A protein (p.His65_Arg72del), but otherwise preserves the integrity of the reading frame.